The following is an entry in ClinVar:

ClinVar aggregate classification (germline): Conflicting classifications of pathogenicity. Review status: criteria provided, conflicting classifications (1 of 4 stars). 2 submissions from 2 submitters: Uncertain significance (1); Likely benign (1). Last evaluated 2025-11-26.

Conditions:
Inborn genetic diseases. Identifiers: MedGen C0950123, MeSH D030342.

Allele frequency attached by ClinVar (database versions not stated): gnomAD exomes below 0.00001; gnomAD 0.00001.
gnomAD v4.1: 2 of 1,611,560 alleles (0.00012%); highest among the groups gnomAD compares: African/African-American, 0.0013%; no homozygotes.

Submissions (2):

Ambry Genetics
Classification: Likely benign for Inborn genetic diseases. Last evaluated: 2025-11-26. Review status: criteria provided, single submitter. Criteria: Ambry Variant Classification Scheme 2023. Collection method: clinical testing. Allele origin: germline.

Labcorp Genetics (formerly Invitae), Labcorp
Classification: Uncertain significance. Last evaluated: 2023-11-27. Review status: criteria provided, single submitter. Criteria: Invitae Variant Classification Sherloc (09022015). Collection method: clinical testing. Allele origin: germline.
Comment: This sequence change affects codon 836 of the MYO6 mRNA. It is a 'silent' change, meaning that it does not change the encoded amino acid sequence of the MYO6 protein. It affects a nucleotide within the consensus splice site. This variant is present in population databases (no rsID available, gnomAD 0.004%). This variant has not been reported in the literature in individuals affected with MYO6-related conditions. ClinVar contains an entry for this variant (Variation ID: 1460931). Algorithms developed to predict the effect of sequence changes on RNA splicing suggest that this variant is not likely to affect RNA splicing. In summary, the available evidence is currently insufficient to determine the role of this variant in disease. Therefore, it has been classified as a Variant of Uncertain Significance.

NM_004999.4(MYO6):c.2508C>T (p.Arg836=)

Gene: MYO6 (myosin VI; plus strand). Cytogenetic location: 6q14.1.
Variant type: single nucleotide variant.
Coding change: c.2508C>T on transcript NM_004999.4 (MANE Select); coding-DNA position 2508, C replaced by T.
Protein change: p.Arg836=; no amino-acid change (arginine 836 retained).
Molecular consequence: synonymous variant. On other transcripts: non-coding transcript variant (1).
Genome position (GRCh38, 1-based): chr6:75,886,844, C>T. VCF-style: chr6-75886844-C-T. GRCh37 (hg19) VCF-style: chr6-76596561-C-T.
Other names: c.2508C>T, p.Arg836= (NM_001300899.2, NM_001368136.1, NM_001368137.1 and 2 more transcripts); c.2493C>T, p.Arg831= (NM_001368138.1); c.2508C>T (NM_004999.3).
Identifiers: ClinVar variation 1460931 (VCV001460931.7), dbSNP rs1194065369, ClinGen allele CA450941487.